The following is an entry in ClinVar:

NM_001377137.1(GBF1):c.1914G>A (p.Met638Ile)

Gene: GBF1 (golgi brefeldin A resistant guanine nucleotide exchange factor 1; plus strand). Cytogenetic location: 10q24.32.
Variant type: single nucleotide variant.
Coding change: c.1914G>A on transcript NM_001377137.1 (MANE Select); coding-DNA position 1914, G replaced by A.
Protein change: p.Met638Ile; replaces methionine 638 with isoleucine.
Molecular consequence: missense variant. On other transcripts: non-coding transcript variant (4), intron variant (1).
Genome position (GRCh38, 1-based): chr10:102,363,293, G>A. VCF-style: chr10-102363293-G-A. GRCh37 (hg19) VCF-style: chr10-104123050-G-A.
Other names: c.1914G>A, p.Met638Ile (NM_001199378.2, NM_001391923.1); c.1911G>A, p.Met637Ile (NM_001199379.2, NM_001377141.1, NM_001391924.1 and 4 more transcripts); c.1875G>A, p.Met625Ile (NM_001377138.1, NM_001391925.1); c.1617G>A, p.Met539Ile (NM_001377139.1, NM_001377140.1); c.2010G>A, p.Met670Ile (NM_001391922.1, NM_001411027.1); c.1878G>A, p.Met626Ile (NM_001391926.1); c.1533G>A, p.Met511Ile (NM_001391931.1); c.1986G>A, p.Met662Ile (NM_001411003.1); and 1 more; short protein forms M511I, M670I, M539I, M638I, M662I, M637I, M625I, M626I.
Identifiers: ClinVar variation 2343640 (VCV002343640.4), dbSNP rs373473790, ClinGen allele CA5663387.

ClinVar aggregate classification (germline): Conflicting classifications of pathogenicity. Review status: criteria provided, conflicting classifications (1 of 4 stars). 2 submissions from 2 submitters: Uncertain significance (1); Likely benign (1). Last evaluated 2026-03-09.

Allele frequency attached by ClinVar (database versions not stated): ExAC 0.00003; TOPMed 0.00003; gnomAD exomes 0.00004; gnomAD 0.00006; ESP Exome Variant Server 0.00008.

Submissions (2):

Women's Health and Genetics/Laboratory Corporation of America, LabCorp
Classification: Likely benign. Last evaluated: 2026-03-09. Review status: criteria provided, single submitter. Criteria: LabCorp Variant Classification Summary - May 2015. Collection method: clinical testing. Allele origin: germline.
Comment: Variant summary: GBF1 c.1911G>A (p.Met637Ile) results in a conservative amino acid change in the encoded protein sequence. Algorithms developed to predict the effect of missense changes on protein structure and function all suggest that this variant is likely to be tolerated. The variant allele was found at a frequency of 4e-05 in 1613708 control chromosomes, predominantly at a frequency of 4.7e-05 within the Non-Finnish European subpopulation in the gnomAD v4 database. The observed variant frequency within Non-Finnish European control individuals in the gnomAD database exceeds the estimated maximal expected allele frequency for disease-causing variants in GBF1. To our knowledge, no occurrence of c.1911G>A in individuals affected with GBF1-related conditions and no experimental evidence demonstrating its impact on protein function have been reported. ClinVar contains an entry for this variant (Variation ID: 2343640). Based on the evidence outlined above, the variant was classified as likely benign.

Ambry Genetics
Classification: Uncertain significance. Last evaluated: 2025-01-19. Review status: criteria provided, single submitter. Criteria: Ambry Variant Classification Scheme 2023. Collection method: clinical testing. Allele origin: germline.